The following continues an entry in ClinVar:

NM_000277.3(PAH):c.727C>T (p.Arg243Ter)

Gene: PAH. ClinVar aggregate classification (germline): Pathogenic. Pathogenic (1).

Submissions 14 to 25 of 25:

Women's Health and Genetics/Laboratory Corporation of America, LabCorp
Classification: Pathogenic for Phenylketonuria. Last evaluated: 2017-08-22. Review status: criteria provided, single submitter. Criteria: LabCorp Variant Classification Summary - May 2015. Collection method: clinical testing. Allele origin: germline. Not counted in ClinVar's aggregate classification.
Comment: Variant summary: The PAH c.727C>T (p.Arg243X) variant results in a premature termination codon, predicted to cause a truncated or absent PAH protein due to nonsense mediated decay, which are commonly known mechanisms for disease. One truncation downstream of this position has been classified as pathogenic by our laboratory (c.1089delG, p.Lys363fsX37). One in silico tool predicts a damaging outcome for this variant. A functional study found this variant to be associated with in vitro hydroxylase activity <1% of normal levels (Okano_1991). This variant was found in the large control database ExAC in 6/121162 control chromosomes at a frequency of 0.0000495, which does not exceed the estimated maximal expected allele frequency of a pathogenic PAH variant (0.0079057). This variant has been reported in many affected individuals with phenylketonuria and hyperphenylalaninemia (Zurfluh_2008, Couce_2013). In addition, multiple clinical diagnostic laboratories/reputable databases classified this variant as pathogenic. Taken together, this variant is classified as pathogenic.

Illumina Laboratory Services, Illumina
Classification: Pathogenic for Phenylketonuria. Last evaluated: 2017-04-27. Review status: criteria provided, single submitter. Criteria: ICSL Variant Classification Criteria 09 May 2019. Collection method: clinical testing. Allele origin: germline. Not counted in ClinVar's aggregate classification.
Comment: The PAH c.727C>T (p.Arg243Ter) variant is a stop gained variant that is predicted to result in premature termination of the protein. Across a selection of the available literature, the p.Arg243Ter variant has been identified in a total of 20 patients with phenylalanine hydroxylase deficiency leading to phenylketonuria, including in ten in a homozygous state and in ten in a compound heterozygous state (Wang et al. 1990; Ramus et al. 1993; ZurflÃ¼h et al. 2008; Zare-Karizi et al. 2011; Spaapen et al. 2011; Couce et al. 2013; Bashyam et al. 2014). Control data are unavailable for this variant from these studies, which is reported at a frequency of 0.00009 in the European (non-Finnish) population of the Exome Aggregation Consortium. Patients with the p.Arg243Ter variant showed reduced enzyme activity of < 1% of wild type (ZurflÃ¼h et al. 2008; Couce et al. 2013). Based on the collective evidence and the potential impact of stop-gained variants, the p.Arg243Ter variant is classified as pathogenic for phenylalanine hydroxylase deficiency. This variant was observed by ICSL as part of a predisposition screen in an ostensibly healthy population.

Eurofins Ntd Llc (ga)
Classification: Pathogenic. Last evaluated: 2013-06-20. Review status: criteria provided, single submitter. Criteria: EGL Classification Definitions 2015. Collection method: clinical testing. Allele origin: germline. Observed: 5 variant alleles, 5 heterozygotes. Not counted in ClinVar's aggregate classification.

Hadassah Hebrew University Medical Center
Classification: Pathogenic for Phenylketonuria. Review status: criteria provided, single submitter. Criteria: ACMG Guidelines, 2015. Collection method: research. Allele origin: germline. Affected: no. Observed: 2 variant alleles. Not counted in ClinVar's aggregate classification.

Juno Genomics, Hangzhou Juno Genomics, Inc
Classification: Pathogenic for Phenylketonuria. Review status: criteria provided, single submitter. Criteria: ACMG Guidelines, 2015. Collection method: clinical testing. Allele origin: germline. Affected: yes. Not counted in ClinVar's aggregate classification.
Comment: Null variant in a gene where loss of function (LOF) is a known mechanism of disease.;Absent from controls (or at extremely low frequency if recessive) in Genome Aggregation Database, Exome Sequencing Project, 1000 Genomes Project, or Exome Aggregation Consortium.;For recessive disorders, detected in trans with a pathogenic variant.

PreventionGenetics, part of Exact Sciences
Classification: Pathogenic for PAH-related condition. Last evaluated: 2024-07-16. Review status: no assertion criteria provided. Collection method: clinical testing. Allele origin: germline. Not counted in ClinVar's aggregate classification.
Comment: The PAH c.727C>T variant is predicted to result in premature protein termination (p.Arg243*). This sequence variant has been reported to be causative phenylalanine hydroxylase deficiency and has been associated with classical phenylketonuria (PKU) (e.g., Okano et al. 1991. PubMed ID: 2014036; Couce et al. 2013. PubMed ID: 23500595; Jeannesson-Thivisol et al. 2015. PubMed ID: 26666653). Patients with the c.727C>T variant have been reported to be non-responsive to tetrahydrobiopterin (BH4) (Zurflüh et al. 2008. PubMed ID: 17935162). Nearly one hundred patients homozygous for the c.727C>T (p.Arg243*) variant have been reported in the BioPKU database; all of these patients presented with classic PKU. In the ClinVar database, this variant is classified as pathogenic by the ClinGen PAH Variant Curation Expert Panel as well as multiple outside laboratories. Nonsense variants in PAH are expected to be pathogenic. Taken together, this variant is interpreted as pathogenic.

Counsyl
Classification: Pathogenic for Phenylketonuria. Last evaluated: 2014-01-02. Review status: no assertion criteria provided. Collection method: clinical testing. Allele origin: unknown. Not counted in ClinVar's aggregate classification.

OMIM
Classification: Pathogenic for PHENYLKETONURIA. Last evaluated: 1991-03-15. Review status: no assertion criteria provided. Collection method: literature only. Allele origin: germline. Not counted in ClinVar's aggregate classification.

Clinical Genetics DNA and cytogenetics Diagnostics Lab, Erasmus MC, Erasmus Medical Center
Classification: Pathogenic. Review status: no assertion criteria provided. Collection method: clinical testing. Allele origin: germline. Affected: yes. Study: VKGL Data-share Consensus. Not counted in ClinVar's aggregate classification.

DeBelle Laboratory for Biochemical Genetics, MUHC/MCH RESEARCH INSTITUTE
No classification provided. Review status: no classification provided. Collection method: not provided. Allele origin: not provided. Not counted in ClinVar's aggregate classification.

Genome Diagnostics Laboratory, University Medical Center Utrecht
Classification: Pathogenic. Review status: no assertion criteria provided. Collection method: clinical testing. Allele origin: germline. Affected: yes. Study: VKGL Data-share Consensus. Not counted in ClinVar's aggregate classification.

Joint Genome Diagnostic Labs from Nijmegen and Maastricht, Radboudumc and MUMC+
Classification: Pathogenic. Review status: no assertion criteria provided. Collection method: clinical testing. Allele origin: germline. Affected: yes. Study: VKGL Data-share Consensus. Not counted in ClinVar's aggregate classification.

Literature cited by the submitters: PubMed 2014036 (cited by 5 submitters); PubMed 1301187 (cited by Labcorp Genetics (formerly Invitae), Labcorp); PubMed 9634518 (cited by Labcorp Genetics (formerly Invitae), Labcorp); PubMed 11486900 (cited by 3 submitters); PubMed 14741196 (cited by Labcorp Genetics (formerly Invitae), Labcorp and Quest Diagnostics Nichols Institute San Juan Capistrano); PubMed 17935162 (cited by 5 submitters); PubMed 23500595 (cited by 5 submitters); PubMed 24130151 (cited by 3 submitters); PubMed 26666653 (cited by 4 submitters); PubMed 20920871 (cited by 3 submitters); PubMed 27121329 (cited by Ambry Genetics and Quest Diagnostics Nichols Institute San Juan Capistrano); PubMed 31355225 (cited by 3 submitters); PubMed 21890392 (cited by Natera, Inc.); PubMed 14654665 (cited by Quest Diagnostics Nichols Institute San Juan Capistrano and Counsyl); PubMed 15589814 (cited by Quest Diagnostics Nichols Institute San Juan Capistrano); PubMed 2309142 (cited by 3 submitters); PubMed 8320703 (cited by Illumina Laboratory Services, Illumina); PubMed 15557004 (cited by Counsyl); PubMed 23716935 (cited by Counsyl); PubMed 22763404 (cited by Counsyl); PubMed 2006152 (cited by OMIM).